The following is an entry in ClinVar:

ClinVar aggregate classification (germline): Uncertain significance (1 of 4 stars; one submission).

Submission:

Quest Diagnostics Nichols Institute San Juan Capistrano
Classification: Uncertain significance. Last evaluated: 2022-10-19. Review status: criteria provided, single submitter. Criteria: Quest Diagnostics criteria. Collection method: clinical testing. Allele origin: unknown.
Comment: This variant has not been reported in the published literature. It also has not been reported in large, multi-ethnic general populations. Analysis of this variant using software algorithms for the prediction of the effect of nucleotide changes on splicing yielded predictions that this variant does not affect HBA2 mRNA splicing . Based on the available information, we are unable to determine the clinical significance of this variant.

NM_000517.6(HBA2):c.95+23G>A

Genes: HBA2 (hemoglobin subunit alpha 2; plus strand), LOC106804612 (hemoglobin subunit alpha 2 recombination region; plus strand). Cytogenetic location: 16p13.3.
Variant type: single nucleotide variant.
Coding change: c.95+23G>A on transcript NM_000517.6 (MANE Select); 23 bases into the intron after coding-DNA position 95, G replaced by A.
Molecular consequence: intron variant.
Genome position (GRCh38, 1-based): chr16:173,030, G>A. VCF-style: chr16-173030-G-A. GRCh37 (hg19) VCF-style: chr16-223029-G-A.
Identifiers: ClinVar variation 2681970 (VCV002681970.1), dbSNP rs1567163280, ClinGen allele CA2697549461.
Genomic context (GRCh38, chr16:173,030, plus strand): 5'-GCGCACGCTGGCGAGTATGGTGCGGAGGCCCTGGAGAGGTGAGGCTCCCTCCCCTGCTCC[G>A]ACCCGGGCTCCTCGCCCGCCCGGACCCACAGGCCACCCTCAACCGTCCTGGCCCCGGACC-3'